The following is an entry in ClinVar:

ClinVar aggregate classification (germline): Conflicting classifications of pathogenicity. Review status: criteria provided, conflicting classifications (1 of 4 stars). 2 submissions from 2 submitters: Uncertain significance (1); Likely benign (1). Last evaluated 2024-04-22.

Conditions:
Hereditary pancreatitis (PCTT). Also called: PRSS1-Related Hereditary Pancreatitis; Hereditary chronic pancreatitis. Identifiers: Orphanet 676, MedGen C0238339, MONDO:0008185, OMIM 167800.

Allele frequency attached by ClinVar (database versions not stated): gnomAD exomes below 0.00001; ExAC 0.00001; TOPMed 0.00002; gnomAD 0.00003 and 0.00004; 1000 Genomes Project 0.00020; 1000 Genomes Project 30x 0.00031.
gnomAD v4.1: 5 of 1,613,436 alleles (0.00031%); highest among the groups gnomAD compares: African/African-American, 0.0067%; no homozygotes.

Submissions (2):

Labcorp Genetics (formerly Invitae), Labcorp
Classification: Uncertain significance. Last evaluated: 2024-04-22. Review status: criteria provided, single submitter. Criteria: Invitae Variant Classification Sherloc (09022015). Collection method: clinical testing. Allele origin: germline.
Comment: This sequence change affects codon 357 of the CPA1 mRNA. It is a 'silent' change, meaning that it does not change the encoded amino acid sequence of the CPA1 protein. It affects a nucleotide within the consensus splice site. This variant is present in population databases (rs533389472, gnomAD 0.01%). This variant has not been reported in the literature in individuals affected with CPA1-related conditions. ClinVar contains an entry for this variant (Variation ID: 1040062). Algorithms developed to predict the effect of sequence changes on RNA splicing suggest that this variant is not likely to affect RNA splicing. In summary, the available evidence is currently insufficient to determine the role of this variant in disease. Therefore, it has been classified as a Variant of Uncertain Significance.

Ambry Genetics
Classification: Likely benign for Hereditary pancreatitis. Last evaluated: 2022-12-08. Review status: criteria provided, single submitter. Criteria: Ambry Variant Classification Scheme 2023. Collection method: clinical testing. Allele origin: germline.

NM_001868.4(CPA1):c.1071T>A (p.Ile357=)

Gene: CPA1 (carboxypeptidase A1; plus strand). Cytogenetic location: 7q32.2.
Variant type: single nucleotide variant.
Coding change: c.1071T>A on transcript NM_001868.4 (MANE Select); coding-DNA position 1071, T replaced by A.
Protein change: p.Ile357=; no amino-acid change (isoleucine 357 retained).
Molecular consequence: synonymous variant.
Genome position (GRCh38, 1-based): chr7:130,385,922, T>A. VCF-style: chr7-130385922-T-A. GRCh37 (hg19) VCF-style: chr7-130025763-T-A.
Other names: c.1071T>A (NM_001868.2).
Identifiers: ClinVar variation 1040062 (VCV001040062.12), dbSNP rs533389472, ClinGen allele CA4485041.
Genomic context (GRCh38, chr7:130,385,922, plus strand): 5'-GACAGCCCTGGCCTCTCTCTACGGGACCAAGTTCAACTATGGCAGCATCATCAAGGCAAT[T>A]TGTAAGTGGCCGTAGGGTCTCTCTTGATGGGCCTGCGAGGAACATCTGCTGGCTCTTCCT-3'
Protein context (NP_001859.1, residues 347-367): KFNYGSIIKA[Ile357=]YQASGSTIDW